The following is an entry in ClinVar:

NM_203447.4(DOCK8):c.5155G>A (p.Ala1719Thr)

Gene: DOCK8 (dedicator of cytokinesis 8; plus strand). Cytogenetic location: 9p24.3.
Variant type: single nucleotide variant.
Coding change: c.5155G>A on transcript NM_203447.4 (MANE Select); coding-DNA position 5155, G replaced by A.
Protein change: p.Ala1719Thr; replaces alanine 1719 with threonine.
Molecular consequence: missense variant.
Genome position (GRCh38, 1-based): chr9:439,320, G>A. VCF-style: chr9-439320-G-A. GRCh37 (hg19) VCF-style: chr9-439320-G-A.
Other names: c.4855G>A, p.Ala1619Thr (NM_001190458.2); c.4951G>A, p.Ala1651Thr (NM_001193536.2); short protein forms A1719T, A1619T, A1651T.
Identifiers: ClinVar variation 468739 (VCV000468739.16), dbSNP rs144279637, ClinGen allele CA4959323.

ClinVar aggregate classification (germline): Conflicting classifications of pathogenicity. Review status: criteria provided, conflicting classifications (1 of 4 stars). 3 submissions from 3 submitters: Uncertain significance (2); Likely benign (1). Last evaluated 2026-01-26.

Conditions:
Combined immunodeficiency due to DOCK8 deficiency (HIES2). Also called: HIES autosomal recessive; Hyper-IgE recurrent infection syndrome, autosomal recessive; HYPER-IgE SYNDROME 2, AUTOSOMAL RECESSIVE, WITH RECURRENT INFECTIONS; DOCK8 Deficiency; HYPER-IgE RECURRENT INFECTION SYNDROME 2, AUTOSOMAL RECESSIVE. Identifiers: Orphanet 217390, MedGen C4722305, MONDO:0009478, OMIM 243700.

Allele frequency attached by ClinVar (database versions not stated): TOPMed 0.00012; 1000 Genomes Project 30x 0.00016; 1000 Genomes Project 0.00020; ESP Exome Variant Server 0.00023; gnomAD exomes 0.00038 and 0.00068; gnomAD 0.00052 and 0.00055; ExAC 0.00065.
gnomAD v4.1: 640 of 1,614,190 alleles (0.04%); highest among the groups gnomAD compares: Non-Finnish European, 0.018%; 1 homozygote.

Submissions (3):

Labcorp Genetics (formerly Invitae), Labcorp
Classification: Likely benign for Combined immunodeficiency due to DOCK8 deficiency. Last evaluated: 2026-01-26. Review status: criteria provided, single submitter. Criteria: Invitae Variant Classification Sherloc (09022015). Collection method: clinical testing. Allele origin: germline.

GeneDx
Classification: Uncertain significance. Last evaluated: 2021-06-16. Review status: criteria provided, single submitter. Criteria: GeneDx Variant Classification Process June 2021. Collection method: clinical testing. Allele origin: germline. Affected: yes.
Comment: In silico analysis supports that this missense variant does not alter protein structure/function; Has not been previously published as pathogenic or benign to our knowledge; This variant is associated with the following publications: (PMID: 27535533, 27350570, 19898472)

Illumina Laboratory Services, Illumina
Classification: Uncertain significance for Combined immunodeficiency due to DOCK8 deficiency. Last evaluated: 2018-01-13. Review status: criteria provided, single submitter. Criteria: ICSL Variant Classification Criteria 13 December 2019. Collection method: clinical testing. Allele origin: germline.